The following is an entry in ClinVar:

ClinVar aggregate classification (germline): Uncertain significance. Review status: reviewed by expert panel (3 of 4 stars). 4 submissions from 4 submitters: Uncertain significance (1). 3 of the submissions do not count toward it. Last evaluated 2023-02-19.

Conditions:
Familial adenomatous polyposis 1 (FAP1). Also called: POLYPOSIS, ADENOMATOUS INTESTINAL; FAMILIAL ADENOMATOUS POLYPOSIS 1, ATTENUATED. Identifiers: MedGen C2713442, MONDO:0021056, OMIM 175100. Disease mechanism: loss of function.
Hereditary cancer-predisposing syndrome. Also called: Hereditary Cancer Syndrome; Neoplastic Syndromes, Hereditary; Tumor predisposition; Hereditary neoplastic syndrome. Identifiers: Orphanet 140162, MedGen C0027672, MeSH D009386, MONDO:0015356.

Submissions (4):

ClinGen InSiGHT Hereditary Colorectal Cancer/Polyposis Variant Curation Expert Panel
Classification: Uncertain significance for Familial adenomatous polyposis 1. Last evaluated: 2023-02-19. Review status: reviewed by expert panel. Criteria: ClinGen InSiGHT HCCP VCEP ACMG Specifications APC V1. Collection method: curation. Allele origin: germline. Inheritance: Autosomal dominant inheritance.
Comment: The c.1627G>T variant in APC is a missense variant predicted to cause a substitution of valine by phenylalanine at amino acid position 543 (p.Val543Phe). This variant is located at the first base of exon 14. RT-PCR of the exons flanking the target site in a patient with AFAP shows that the variant c.1627G>T impacts splicing by leading to exon 14 skipping, which is an in-frame event (PS3_Moderate; PMID22987206). This variant scored 0.5 phenotype points based on information available in 3 individuals (PS4_variable not met; PMID 22987206, Invitae internal data). This variant is absent from gnomAD v2.1.1 (PM2_supporting). In silico predictions by SpliceAI, MaxEntScan and VarSEAK showed conflicting results (PP3 not met). APC is defined by the ClinGen InSiGHT Hereditary Colorectal Cancer/Polyposis Variant Curation Expert Panel (HCCP VCEP) as a gene for which primarily truncating variants are known to cause disease (BP1). In summary, this is a Variant of Uncertain Significance (VUS) for FAP based on the ACMG/AMP criteria applied, as specified by the HCCP VCEP: BP1, PS3_moderate, and PM2_supporting. (VCEP specifications version 1; date of approval: 12/12/2022).

Labcorp Genetics (formerly Invitae), Labcorp
Classification: Uncertain significance for Familial adenomatous polyposis 1. Last evaluated: 2025-06-25. Review status: criteria provided, single submitter. Criteria: Invitae Variant Classification Sherloc (09022015). Collection method: clinical testing. Allele origin: germline. Not counted in ClinVar's aggregate classification.
Comment: This sequence change replaces valine, which is neutral and non-polar, with phenylalanine, which is neutral and non-polar, at codon 543 of the APC protein (p.Val543Phe). This variant is not present in population databases (gnomAD no frequency). This missense change has been observed in individual(s) with clinical features of attenuated familial adenomatous polyposis (PMID: 22987206). ClinVar contains an entry for this variant (Variation ID: 490221). An algorithm developed to predict the effect of missense changes on protein structure and function (PolyPhen-2) suggests that this variant is likely to be disruptive. Studies have shown that this missense change is associated with inconclusive levels of altered splicing (PMID: 22987206; internal data). In summary, the available evidence is currently insufficient to determine the role of this variant in disease. Therefore, it has been classified as a Variant of Uncertain Significance.

Ambry Genetics
Classification: Uncertain significance for Hereditary cancer-predisposing syndrome. Last evaluated: 2024-06-03. Review status: criteria provided, single submitter. Criteria: Ambry Variant Classification Scheme 2023. Collection method: clinical testing. Allele origin: germline. Not counted in ClinVar's aggregate classification.
Comment: The p.V543F variant (also known as c.1627G>T) is located in coding exon 13 of the APC gene. The valine at codon 543 is replaced by phenylalanine, an amino acid with highly similar properties. This change occurs in the first base pair of coding exon 13. Missense alterations in APC are not a common cause of disease (Spier I et al. Genet Med. 2024 Feb;26(2):100992). This amino acid position is highly conserved in available vertebrate species. In addition, in silico predictors for this gene do not accurately predict pathogenicity. Based on the available evidence, the clinical significance of this variant remains unclear.

Color Diagnostics, LLC DBA Color Health
Classification: Uncertain significance for Hereditary cancer-predisposing syndrome. Last evaluated: 2019-05-14. Review status: criteria provided, single submitter. Criteria: ACMG Guidelines, 2015. Collection method: clinical testing. Allele origin: germline. Not counted in ClinVar's aggregate classification.

Literature cited by the submitters: PubMed 22987206 (cited by Labcorp Genetics (formerly Invitae), Labcorp and Ambry Genetics).

NM_000038.6(APC):c.1627G>T (p.Val543Phe)

Gene: APC (APC regulator of Wnt signaling pathway; plus strand). Cytogenetic location: 5q22.2.
Variant type: single nucleotide variant.
Coding change: c.1627G>T on transcript NM_000038.6 (MANE Select); coding-DNA position 1627, G replaced by T.
Protein change: p.Val543Phe; replaces valine 543 with phenylalanine.
Molecular consequence: missense variant.
Genome position (GRCh38, 1-based): chr5:112,828,856, G>T. VCF-style: chr5-112828856-G-T. GRCh37 (hg19) VCF-style: chr5-112164553-G-T.
Other names: NM_000038.6(APC):c.1627G>T; p.Val543Phe; c.1627G>T, p.Val543Phe (NM_001127510.3, NM_001354895.2); c.1573G>T, p.Val525Phe (NM_001127511.3); c.1681G>T, p.Val561Phe (NM_001354896.2); c.1657G>T, p.Val553Phe (NM_001354897.2); c.1552G>T, p.Val518Phe (NM_001354898.2); c.1543G>T, p.Val515Phe (NM_001354899.2); and 7 more; short protein forms V525F, V543F, V417F, V452F, V383F, V442F, V502F, V561F.
Identifiers: ClinVar variation 490221 (VCV000490221.14), dbSNP rs1554082080, ClinGen allele CA16024864.